The following is an entry in ClinVar:

ClinVar aggregate classification (germline): Uncertain significance (1 of 4 stars; one submission).

Allele frequency attached by ClinVar (database versions not stated): gnomAD exomes below 0.00001.
gnomAD v4.1: 1 of 1,614,162 alleles (0.000062%); highest among the groups gnomAD compares: Non-Finnish European, 0.000085%; no homozygotes.

Submission:

Ambry Genetics
Classification: Uncertain significance. Last evaluated: 2021-12-01. Review status: criteria provided, single submitter. Criteria: Ambry Variant Classification Scheme 2023. Collection method: clinical testing. Allele origin: germline.
Comment: The p.R1177I variant (also known as c.3530G>T), located in coding exon 17 of the NPAT gene, results from a G to T substitution at nucleotide position 3530. The arginine at codon 1177 is replaced by isoleucine, an amino acid with similar properties. This amino acid position is conserved. In addition, this alteration is predicted to be tolerated by in silico analysis. Since supporting evidence is limited at this time, the clinical significance of this alteration remains unclear.

NM_002519.3(NPAT):c.3530G>T (p.Arg1177Ile)

Gene: NPAT (nuclear protein, coactivator of histone transcription; minus strand). Cytogenetic location: 11q22.3.
Variant type: single nucleotide variant.
Coding change: c.3530G>T on transcript NM_002519.3 (MANE Select); coding-DNA position 3530, G replaced by T.
Protein change: p.Arg1177Ile; replaces arginine 1177 with isoleucine.
Molecular consequence: missense variant.
Genome position (GRCh38, 1-based): chr11:108,161,556, C>A on the plus strand (G>T on the coding strand, the complement: NPAT is on the minus strand). VCF-style: chr11-108161556-C-A. GRCh37 (hg19) VCF-style: chr11-108032283-C-A.
Other names: c.3551G>T, p.Arg1184Ile (NM_001321307.1); short protein forms R1177I, R1184I.
Identifiers: ClinVar variation 1732365 (VCV001732365.2), dbSNP rs1270504934, ClinGen allele CA382510605.